The following is an entry in ClinVar:

ClinVar aggregate classification (germline): Conflicting classifications of pathogenicity. Review status: criteria provided, conflicting classifications (1 of 4 stars). 7 submissions from 7 submitters: Uncertain significance (2); Likely benign (5). Last evaluated 2026-06-16.

Conditions:
Hereditary skeletal muscle disorder. Identifiers: MedGen CN324038, MONDO:0700223.
DMD-related disorder. Also called: DMD-related condition.
Cardiovascular phenotype. Identifiers: MedGen CN230736.
Duchenne muscular dystrophy (DMD). Also called: MUSCULAR DYSTROPHY, PSEUDOHYPERTROPHIC PROGRESSIVE, DUCHENNE TYPE; Duchenne Muscular Dystrophy (DMD). Identifiers: Orphanet 98896, MedGen C0013264, MONDO:0010679, OMIM 310200.

Allele frequency attached by ClinVar (database versions not stated): gnomAD 0.00003; gnomAD exomes 0.00003 and 0.00005; TOPMed 0.00005; ExAC 0.00006.
gnomAD v4.1: 54 of 1,209,835 alleles (0.0045%); highest among the groups gnomAD compares: Non-Finnish European, 0.006%; no homozygotes.

Submissions (7):

PreventionGenetics, part of Exact Sciences
Classification: Likely benign for DMD-related condition. Last evaluated: 2026-06-16. Review status: criteria provided, single submitter. Criteria: ACMG Guidelines, 2015. Collection method: clinical testing. Allele origin: germline.
Comment: This variant is classified as likely benign based on ACMG/AMP sequence variant interpretation guidelines (Richards et al. 2015 PMID: 25741868, with internal and published modifications).

CeGaT Center for Human Genetics Tuebingen
Classification: Likely benign. Last evaluated: 2026-03-01. Review status: criteria provided, single submitter. Criteria: CeGaT Center For Human Genetics Tuebingen Variant Classification Criteria Version 2. Collection method: clinical testing. Allele origin: germline. Affected: yes. Observed: 1 variant allele.
Comment: DMD: BS2

Labcorp Genetics (formerly Invitae), Labcorp
Classification: Likely benign for Duchenne muscular dystrophy. Last evaluated: 2025-11-11. Review status: criteria provided, single submitter. Criteria: Invitae Variant Classification Sherloc (09022015). Collection method: clinical testing. Allele origin: germline.

Ambry Genetics
Classification: Likely benign for Cardiovascular phenotype. Last evaluated: 2025-05-14. Review status: criteria provided, single submitter. Criteria: Ambry Variant Classification Scheme 2023. Collection method: clinical testing. Allele origin: germline.

Revvity Omics, Revvity
Classification: Uncertain significance. Last evaluated: 2020-09-24. Review status: criteria provided, single submitter. Criteria: ACMG Guidelines, 2015. Collection method: clinical testing. Allele origin: germline.

Cambridge Genomics Laboratory, East Genomic Laboratory Hub, NHS Genomic Medicine Service
Classification: Likely benign for Hereditary skeletal muscle disorder. Last evaluated: 2019-04-17. Review status: criteria provided, single submitter. Criteria: ACGS Best Practice Guidelines for Variant Classification in Rare Disease 2020. Collection method: clinical testing. Allele origin: germline. Affected: yes. Observed: 1 variant allele.

Eurofins Ntd Llc (ga)
Classification: Uncertain significance. Last evaluated: 2016-07-15. Review status: criteria provided, single submitter. Criteria: EGL Classification Definitions 2015. Collection method: clinical testing. Allele origin: germline. Observed: 1 variant allele, 1 heterozygote.

NM_004006.3(DMD):c.8677C>T (p.Pro2893Ser)

Gene: DMD (dystrophin; minus strand). Cytogenetic location: Xp21.2.
Variant type: single nucleotide variant.
Coding change: c.8677C>T on transcript NM_004006.3 (MANE Select); coding-DNA position 8677, C replaced by T.
Protein change: p.Pro2893Ser; replaces proline 2893 with serine.
Molecular consequence: missense variant.
Genome position (GRCh38, 1-based): chrX:31,478,366, G>A on the plus strand (C>T on the coding strand, the complement: DMD is on the minus strand). VCF-style: chrX-31478366-G-A. GRCh37 (hg19) VCF-style: chrX-31496483-G-A.
Other names: c.8653C>T, p.Pro2885Ser (NM_000109.4); c.8665C>T, p.Pro2889Ser (NM_004009.3); c.8308C>T, p.Pro2770Ser (NM_004010.3); c.4654C>T, p.Pro1552Ser (NM_004011.4); c.4645C>T, p.Pro1549Ser (NM_004012.4); c.1297C>T, p.Pro433Ser (NM_004013.3, NM_004020.4, NM_004021.3 and 2 more transcripts); c.490C>T, p.Pro164Ser (NM_004014.3); short protein forms P2893S, P2889S, P433S, P164S, P2770S, P2885S, P1549S, P1552S.
Identifiers: ClinVar variation 288792 (VCV000288792.39), dbSNP rs756160145, ClinGen allele CA10378002.
Genomic context (GRCh38, chrX:31,478,366, plus strand): 5'-TATTGACCTCCTCAGCCTGCTTTCGTAGAAGCCGAGTGACATTCTGGGCTCTCTCCTCAG[G>A]AGGCAGCTCTAAATTGGCAATATGACAAGGTTTTAGGCCACATTCTTTTTTTTTAAACAT-3'
Protein context (NP_003997.2, residues 2883-2903): KLYQEPRELP[Pro2893Ser]EERAQNVTRL